The following is an entry in ClinVar:

NM_001256789.3(CACNA1F):c.3862C>T (p.Arg1288Ter)

Gene: CACNA1F (calcium voltage-gated channel subunit alpha1 F; minus strand). Cytogenetic location: Xp11.23.
Variant type: single nucleotide variant.
Coding change: c.3862C>T on transcript NM_001256789.3 (MANE Select); coding-DNA position 3862, C replaced by T.
Protein change: p.Arg1288Ter; replaces arginine 1288 with a stop codon.
Molecular consequence: nonsense.
Genome position (GRCh38, 1-based): chrX:49,212,747, G>A on the plus strand (C>T on the coding strand, the complement: CACNA1F is on the minus strand). VCF-style: chrX-49212747-G-A. GRCh37 (hg19) VCF-style: chrX-49069207-G-A.
Other names: c.3700C>T, p.Arg1234Ter (NM_001256790.3); c.3895C>T, p.Arg1299Ter (NM_005183.4); c.3895C>T (NM_005183.2); short protein forms R1288*, R1234*, R1299*.
Identifiers: ClinVar variation 853468 (VCV000853468.46), dbSNP rs2065670611, ClinGen allele CA412962376.
Genomic context (GRCh38, chrX:49,212,747, plus strand): 5'-TCCAGAGCAATGTGCGGATCCCTTCACCCTTACTGAGAAGCTTGACCAGCCGCATAACTC[G>A]GAAGAGGCGAAAGAAGGTAATGGAAATGCGGGAGCTGTCCTCAGAGCTCTGGGGTGAGGG-3'

ClinVar aggregate classification (germline): Pathogenic. Review status: criteria provided, multiple submitters, no conflicts (2 of 4 stars). 7 submissions from 7 submitters: Pathogenic (5). 2 of the submissions do not count toward it. Last evaluated 2024-05-24.

Conditions:
CACNA1F-related disorder. Also called: CACNA1F-related condition.
Retinal dystrophy. Also called: Inherited retinal dystrophy. Identifiers: Orphanet 71862, MedGen C0854723, MeSH D058499, MONDO:0019118, HP:0000556.

Submissions (7):

GeneDx
Classification: Pathogenic. Last evaluated: 2024-05-24. Review status: criteria provided, single submitter. Criteria: GeneDx Variant Classification Process June 2021. Collection method: clinical testing. Allele origin: germline. Affected: yes.
Comment: Nonsense variant predicted to result in protein truncation or nonsense mediated decay in a gene for which loss of function is a known mechanism of disease; Not observed at significant frequency in large population cohorts (gnomAD); Also known as R1234X; This variant is associated with the following publications: (PMID: 25525159, 19578023, 28002560, 37510321, 30260717, 35567543, 23714322, 9662400)

Labcorp Genetics (formerly Invitae), Labcorp
Classification: Pathogenic. Last evaluated: 2024-05-02. Review status: criteria provided, single submitter. Criteria: Invitae Variant Classification Sherloc (09022015). Collection method: clinical testing. Allele origin: germline.
Comment: This sequence change creates a premature translational stop signal (p.Arg1299*) in the CACNA1F gene. It is expected to result in an absent or disrupted protein product. Loss-of-function variants in CACNA1F are known to be pathogenic (PMID: 9662399, 11281458, 17525176, 22194652, 24124559, 26992781). This variant is not present in population databases (gnomAD no frequency). This premature translational stop signal has been observed in individual(s) with incomplete X-linked congenital stationary night blindness or Aland eye disease (PMID: 19578023, 28002560). This variant is also known as Arg1288Stop. ClinVar contains an entry for this variant (Variation ID: 853468). Algorithms developed to predict the effect of sequence changes on RNA splicing suggest that this variant may disrupt the consensus splice site. For these reasons, this variant has been classified as Pathogenic.

CeGaT Center for Human Genetics Tuebingen
Classification: Pathogenic. Last evaluated: 2022-10-01. Review status: criteria provided, single submitter. Criteria: CeGaT Center For Human Genetics Tuebingen Variant Classification Criteria Version 2. Collection method: clinical testing. Allele origin: germline. Affected: yes. Observed: 2 variant alleles.

Blueprint Genetics
Classification: Pathogenic for CACNA1F-related disorders. Last evaluated: 2021-10-12. Review status: criteria provided, single submitter. Criteria: ACMG Guidelines, 2015. Collection method: clinical testing. Allele origin: germline. Affected: yes. Observed: 5 variant alleles.

Institute of Human Genetics, Univ. Regensburg, Univ. Regensburg
Classification: Pathogenic for Retinal dystrophy. Last evaluated: 2020-01-01. Review status: criteria provided, single submitter. Criteria: ACMG Guidelines, 2015. Collection method: clinical testing. Allele origin: germline. Affected: yes.

Clinical Genetics DNA and cytogenetics Diagnostics Lab, Erasmus MC, Erasmus Medical Center
Classification: Pathogenic. Review status: no assertion criteria provided. Collection method: clinical testing. Allele origin: germline. Affected: yes. Study: VKGL Data-share Consensus. Not counted in ClinVar's aggregate classification.

Clinical Genetics, Academic Medical Center
Classification: Pathogenic. Review status: no assertion criteria provided. Collection method: clinical testing. Allele origin: germline. Affected: yes. Study: VKGL Data-share Consensus. Not counted in ClinVar's aggregate classification.

Literature cited by the submitters: PubMed 9662399 (cited by Labcorp Genetics (formerly Invitae), Labcorp); PubMed 11281458 (cited by Labcorp Genetics (formerly Invitae), Labcorp); PubMed 17525176 (cited by Labcorp Genetics (formerly Invitae), Labcorp); PubMed 22194652 (cited by Labcorp Genetics (formerly Invitae), Labcorp); PubMed 24124559 (cited by Labcorp Genetics (formerly Invitae), Labcorp); PubMed 26992781 (cited by Labcorp Genetics (formerly Invitae), Labcorp); PubMed 19578023 (cited by Labcorp Genetics (formerly Invitae), Labcorp); PubMed 28002560 (cited by Labcorp Genetics (formerly Invitae), Labcorp); PubMed 9662400 (cited by Institute of Human Genetics, Univ. Regensburg, Univ. Regensburg); PubMed 23714322 (cited by Institute of Human Genetics, Univ. Regensburg, Univ. Regensburg); PubMed 25525159 (cited by Institute of Human Genetics, Univ. Regensburg, Univ. Regensburg); PubMed 30260717 (cited by Institute of Human Genetics, Univ. Regensburg, Univ. Regensburg); PubMed 35567543 (cited by Institute of Human Genetics, Univ. Regensburg, Univ. Regensburg).